The following is an entry in ClinVar:

ClinVar aggregate classification (germline): Uncertain significance (1 of 4 stars; one submission).

Conditions:
Cohen syndrome (COH1). Also called: PEPPER SYNDROME; Cutis verticis gyrata, retinitis pigmentosa, and sensorineural deafness. Identifiers: Orphanet 193, MedGen C0265223, MONDO:0008999, OMIM 216550.

Allele frequency attached by ClinVar (database versions not stated): gnomAD 0.00001; TOPMed 0.00001.
gnomAD v4.1: 5 of 1,591,010 alleles (0.00031%); highest among the groups gnomAD compares: Non-Finnish European, 0.00043%; no homozygotes.

Submission:

Labcorp Genetics (formerly Invitae), Labcorp
Classification: Uncertain significance for Cohen syndrome. Last evaluated: 2024-07-31. Review status: criteria provided, single submitter. Criteria: Invitae Variant Classification Sherloc (09022015). Collection method: clinical testing. Allele origin: germline.
Comment: This sequence change replaces leucine, which is neutral and non-polar, with arginine, which is basic and polar, at codon 624 of the VPS13B protein (p.Leu624Arg). This variant is present in population databases (no rsID available, gnomAD 0.0009%). This variant has not been reported in the literature in individuals affected with VPS13B-related conditions. ClinVar contains an entry for this variant (Variation ID: 2146987). Advanced modeling of protein sequence and biophysical properties (such as structural, functional, and spatial information, amino acid conservation, physicochemical variation, residue mobility, and thermodynamic stability) performed at Invitae indicates that this missense variant is not expected to disrupt VPS13B protein function with a negative predictive value of 80%. In summary, the available evidence is currently insufficient to determine the role of this variant in disease. Therefore, it has been classified as a Variant of Uncertain Significance.

NM_152564.5(VPS13B):c.1871T>G (p.Leu624Arg)

Gene: VPS13B (vacuolar protein sorting 13 homolog B; plus strand). Cytogenetic location: 8q22.2.
Variant type: single nucleotide variant.
Coding change: c.1871T>G on transcript NM_152564.5 (MANE Select); coding-DNA position 1871, T replaced by G.
Protein change: p.Leu624Arg; replaces leucine 624 with arginine.
Molecular consequence: missense variant.
Genome position (GRCh38, 1-based): chr8:99,147,868, T>G. VCF-style: chr8-99147868-T-G. GRCh37 (hg19) VCF-style: chr8-100160096-T-G.
Other names: c.1871T>G, p.Leu624Arg (NM_015243.3, NM_017890.5); short protein forms L624R.
Identifiers: ClinVar variation 2146987 (VCV002146987.2), dbSNP rs1424011867, ClinGen allele CA371864288.